The following is an entry in ClinVar:

NM_005529.7(HSPG2):c.13088C>T (p.Ser4363Leu)

Genes: HSPG2 (heparan sulfate proteoglycan 2; minus strand), LDLRAD2 (low density lipoprotein receptor class A domain containing 2; plus strand). Cytogenetic location: 1p36.12.
Variant type: single nucleotide variant.
Coding change: c.13088C>T on transcript NM_005529.7 (MANE Select); coding-DNA position 13088, C replaced by T.
Protein change: p.Ser4363Leu; replaces serine 4363 with leucine.
Molecular consequence: missense variant. On other transcripts: 3 prime UTR variant (1).
Genome position (GRCh38, 1-based): chr1:21,823,404, G>A on the plus strand (C>T on the coding strand, the complement: HSPG2 is on the minus strand). VCF-style: chr1-21823404-G-A. GRCh37 (hg19) VCF-style: chr1-22149897-G-A.
Other names: c.13091C>T, p.Ser4364Leu (NM_001291860.2); c.*1189G>A (NM_001013693.3); short protein forms S4364L, S4363L.
Identifiers: ClinVar variation 790476 (VCV000790476.47), dbSNP rs62642502, ClinGen allele CA669132.

ClinVar aggregate classification (germline): Conflicting classifications of pathogenicity. Review status: criteria provided, conflicting classifications (1 of 4 stars). 8 submissions from 7 submitters: Uncertain significance (1); Benign (4); Likely benign (2). 1 of the submissions does not count toward it. Last evaluated 2026-02-01.

Conditions:
HSPG2-related disorder. Also called: HSPG2-related condition; HSPG2-related disorders.
Schwartz-Jampel syndrome. Also called: Myotonic myopathy dwarfism chondrodystrophy and ocular and facial abnormalities. Identifiers: Orphanet 800, MedGen C0036391, MONDO:0009717.
Lethal Kniest-like syndrome (DDSH). Also called: Dyssegmental Dysplasia. Identifiers: Orphanet 1865, MedGen C1857100, MONDO:0009140, OMIM 224410.

Allele frequency attached by ClinVar (database versions not stated): gnomAD exomes 0.00116; 1000 Genomes Project 30x 0.00141; 1000 Genomes Project 0.00180; gnomAD 0.00296 and 0.00312; ExAC 0.00314; TOPMed 0.00342; ESP Exome Variant Server 0.00365.
gnomAD v4.1: 1,344 of 1,573,930 alleles (0.085%); highest among the groups gnomAD compares: African/African-American, 0.86%; 5 homozygotes.

Submissions (8):

CeGaT Center for Human Genetics Tuebingen
Classification: Likely benign. Last evaluated: 2026-02-01. Review status: criteria provided, single submitter. Criteria: CeGaT Center For Human Genetics Tuebingen Variant Classification Criteria Version 2. Collection method: clinical testing. Allele origin: germline. Affected: yes. Observed: 1 variant allele.
Comment: HSPG2: BS2

Labcorp Genetics (formerly Invitae), Labcorp
Classification: Benign. Last evaluated: 2026-01-17. Review status: criteria provided, single submitter. Criteria: Invitae Variant Classification Sherloc (09022015). Collection method: clinical testing. Allele origin: germline.

Athena Diagnostics
Classification: Benign. Last evaluated: 2025-10-30. Review status: criteria provided, single submitter. Criteria: Athena Diagnostics Criteria. Collection method: clinical testing. Allele origin: unknown.
Comment: The frequency of this variant in the general population is higher than would generally be expected for pathogenic variants in this gene. Computational tools predict this amino acid change may be benign.

Blueprint Genetics
Classification: Likely benign. Last evaluated: 2024-11-25. Review status: criteria provided, single submitter. Criteria: ACMG Guidelines, 2015. Collection method: clinical testing. Allele origin: germline.

ARUP Laboratories, Molecular Genetics and Genomics, ARUP Laboratories
Classification: Uncertain significance. Last evaluated: 2020-01-05. Review status: criteria provided, single submitter. Criteria: ARUP Molecular Germline Variant Investigation Process. Collection method: clinical testing. Allele origin: germline.

Illumina Laboratory Services, Illumina
Classification: Benign for Lethal Kniest-like syndrome. Last evaluated: 2018-01-12. Review status: criteria provided, single submitter. Criteria: ICSL Variant Classification Criteria 13 December 2019. Collection method: clinical testing. Allele origin: germline.
Comment: This variant was observed in the ICSL laboratory as part of a predisposition screen in an ostensibly healthy population. It had not been previously curated by ICSL or reported in the Human Gene Mutation Database (HGMD: prior to June 1st, 2018), and was therefore a candidate for classification through an automated scoring system. Utilizing variant allele frequency, disease prevalence and penetrance estimates, and inheritance mode, an automated score was calculated to assess if this variant is too frequent to cause the disease. Based on the score and internal cut-off values, a variant classified as benign is not then subjected to further curation. The score for this variant resulted in a classification of benign for this disease.

Illumina Laboratory Services, Illumina
Classification: Benign for Schwartz-Jampel syndrome type 1. Last evaluated: 2018-01-12. Review status: criteria provided, single submitter. Criteria: ICSL Variant Classification Criteria 13 December 2019. Collection method: clinical testing. Allele origin: germline.
Comment: the same text as in the submission from Illumina Laboratory Services, Illumina above.

PreventionGenetics, part of Exact Sciences
Classification: Benign for HSPG2-related condition. Last evaluated: 2020-04-06. Review status: no assertion criteria provided. Collection method: clinical testing. Allele origin: germline. Not counted in ClinVar's aggregate classification.
Comment: This variant is classified as benign based on ACMG/AMP sequence variant interpretation guidelines (Richards et al. 2015 PMID: 25741868, with internal and published modifications).